The following is an entry in ClinVar:

NM_001323289.2(CDKL5):c.454T>C (p.Cys152Arg)

Gene: CDKL5 (cyclin dependent kinase like 5; plus strand). Cytogenetic location: Xp22.13.
Variant type: single nucleotide variant.
Coding change: c.454T>C on transcript NM_001323289.2 (MANE Select); coding-DNA position 454, T replaced by C.
Protein change: p.Cys152Arg; replaces cysteine 152 with arginine.
Molecular consequence: missense variant.
Genome position (GRCh38, 1-based): chrX:18,581,941, T>C. VCF-style: chrX-18581941-T-C. GRCh37 (hg19) VCF-style: chrX-18600061-T-C.
Other names: NM_001323289.2(CDKL5):c.454T>C; p.Cys152Arg; c.454T>C, p.Cys152Arg (NM_001037343.2, NM_003159.3); short protein forms C152R.
Identifiers: ClinVar variation 658951 (VCV000658951.11), dbSNP rs1602272932, ClinGen allele CA412351039.

ClinVar aggregate classification (germline): Likely pathogenic. Review status: reviewed by expert panel (3 of 4 stars). 4 submissions from 4 submitters: Likely pathogenic (1). 3 of the submissions do not count toward it. Last evaluated 2023-04-14.

Conditions:
CDKL5 disorder. Identifiers: MedGen CN296942, MONDO:0100039.
Angelman syndrome-like. Identifiers: MedGen CN128785.
Developmental and epileptic encephalopathy, 2 (DEE2). Also called: INFANTILE SPASM SYNDROME, X-LINKED 2; CDKL5 deficiency disorder. Identifiers: Orphanet 1934, Orphanet 3451, Orphanet 505652, MedGen C4750718, MONDO:0010396, OMIM 300672.

Submissions (4):

ClinGen Rett and Angelman-like Disorders Variant Curation Expert Panel
Classification: Likely pathogenic for CDKL5 disorder. Last evaluated: 2023-04-14. Review status: reviewed by expert panel. Criteria: ClinGen RettAS ACMG Specifications V2. Collection method: curation. Allele origin: germline. Inheritance: X-linked inheritance.
Comment: The p.Cys152Arg variant in CDKL5 is absent from gnomAD (PM2_supporting). Computational prediction analysis tools suggests a deleterious impact; however, this information does not predict clinical significance on its own (PP3). A pathogenic missense variant (p.Cys152Phe) has been previously identified within this codon which indicates that this residue is critical to the function of the protein (PMID 15499549; 23651931) (PM5). In summary, the p.Cys152Arg variant in CDKL5 is classified as likely pathogenic for CDKL5-related disorders based on the ACMG/AMP criteria (PM6, PM2_supporting, PP3, PM5).

Centre for Population Genomics, CPG
Classification: Likely pathogenic for CDKL5 disorder. Last evaluated: 2024-12-23. Review status: criteria provided, single submitter. Criteria: McKnight et al. (Hum Mutat. 2022). Collection method: curation. Allele origin: germline. Inheritance: X-linked inheritance. Not counted in ClinVar's aggregate classification.
Comment: This variant has been collected from RettBASE and curated to current modified ACMG/AMP criteria. Based on the classification scheme defined by the ClinGen Rett/Angelman-like Expert Panel for Rett/AS-like Disorders Specifications to the ACMG/AMP Variant Interpretation Guidelines VCEP 3.0, this variant is classified as likely pathogenic. At least the following criteria are met: This variant has been identified as a de novo occurrence in at least 2 individuals with CDKL5 disorder, without confirmation of paternity and maternity (PM6_Strong). Computational prediction analysis tools suggests a deleterious impact (REVEL score>= 0.75) (PP3). This variant is absent from gnomAD (PM2_Supporting).

Labcorp Genetics (formerly Invitae), Labcorp
Classification: Uncertain significance for Developmental and epileptic encephalopathy, 2; Angelman syndrome-like. Last evaluated: 2018-12-21. Review status: criteria provided, single submitter. Criteria: Invitae Variant Classification Sherloc (09022015). Collection method: clinical testing. Allele origin: germline. Not counted in ClinVar's aggregate classification.
Comment: Algorithms developed to predict the effect of missense changes on protein structure and function are either unavailable or do not agree on the potential impact of this missense change (SIFT: "Deleterious"; PolyPhen-2: "Probably Damaging"; Align-GVGD: "Class C0"). In summary, the available evidence is currently insufficient to determine the role of this variant in disease. Therefore, it has been classified as a Variant of Uncertain Significance. This variant has been observed in an individual affected with CDKL5-related disease (PMID: 29264392). This variant is not present in population databases (ExAC no frequency). This sequence change replaces cysteine with arginine at codon 152 of the CDKL5 protein (p.Cys152Arg). The cysteine residue is highly conserved and there is a large physicochemical difference between cysteine and arginine.

Baylor Genetics
Classification: Likely pathogenic for Developmental and epileptic encephalopathy, 2. Last evaluated: 2018-05-11. Review status: criteria provided, single submitter. Criteria: ACMG Guidelines, 2015. Collection method: clinical testing. Allele origin: de novo. Affected: yes. Not counted in ClinVar's aggregate classification.
Comment: This variant was determined to be likely pathogenic according to ACMG Guidelines, 2015 [PMID:25741868].

Literature cited by the submitters: PubMed 29264392 (cited by Labcorp Genetics (formerly Invitae), Labcorp).